The following is an entry in ClinVar:

NM_018206.6(VPS35):c.1795C>G (p.His599Asp)

Gene: VPS35 (VPS35 retromer complex component; minus strand). Cytogenetic location: 16q11.2.
Variant type: single nucleotide variant.
Coding change: c.1795C>G on transcript NM_018206.6 (MANE Select); coding-DNA position 1795, C replaced by G.
Protein change: p.His599Asp; replaces histidine 599 with aspartic acid.
Molecular consequence: missense variant.
Genome position (GRCh38, 1-based): chr16:46,663,015, G>C on the plus strand (C>G on the coding strand, the complement: VPS35 is on the minus strand). VCF-style: chr16-46663015-G-C. GRCh37 (hg19) VCF-style: chr16-46696927-G-C.
Other names: short protein forms H599D.
Identifiers: ClinVar variation 2725671 (VCV002725671.3), dbSNP rs148255605, ClinGen allele CA8036719.

ClinVar aggregate classification (germline): Uncertain significance (1 of 4 stars; one submission).

Conditions:
Parkinson disease 17 (PARK17). Also called: VPS35-Related Parkinson Disease. Identifiers: Orphanet 411602, MedGen C3280133, MONDO:0013625, OMIM 614203.

Allele frequency attached by ClinVar (database versions not stated): gnomAD exomes below 0.00001; ExAC 0.00001; ESP Exome Variant Server 0.00008.
gnomAD v4.1: 6 of 1,614,192 alleles (0.00037%); highest among the groups gnomAD compares: Non-Finnish European, 0.00051%; no homozygotes.

Submission:

Labcorp Genetics (formerly Invitae), Labcorp
Classification: Uncertain significance for Parkinson disease 17. Last evaluated: 2023-05-01. Review status: criteria provided, single submitter. Criteria: Invitae Variant Classification Sherloc (09022015). Collection method: clinical testing. Allele origin: germline.
Comment: This sequence change replaces histidine, which is basic and polar, with aspartic acid, which is acidic and polar, at codon 599 of the VPS35 protein (p.His599Asp). An algorithm developed to predict the effect of missense changes on protein structure and function (PolyPhen-2) suggests that this variant is likely to be disruptive. In summary, the available evidence is currently insufficient to determine the role of this variant in disease. Therefore, it has been classified as a Variant of Uncertain Significance. This variant has not been reported in the literature in individuals affected with VPS35-related conditions. This variant is present in population databases (rs148255605, gnomAD 0.0009%).